The following is an entry in ClinVar:

ClinVar aggregate classification (germline): Uncertain significance (1 of 4 stars; one submission).

Conditions:
Hereditary cancer-predisposing syndrome. Also called: Tumor predisposition; Hereditary neoplastic syndrome; Hereditary Cancer Syndrome; Neoplastic Syndromes, Hereditary. Identifiers: Orphanet 140162, MedGen C0027672, MeSH D009386, MONDO:0015356.

Submission:

Ambry Genetics
Classification: Uncertain significance for Hereditary cancer-predisposing syndrome. Last evaluated: 2025-05-03. Review status: criteria provided, single submitter. Criteria: Ambry Variant Classification Scheme 2023. Collection method: clinical testing. Allele origin: germline.
Comment: The p.V306L variant (also known as c.916G>C), located in coding exon 9 of the RB1 gene, results from a G to C substitution at nucleotide position 916. The valine at codon 306 is replaced by leucine, an amino acid with highly similar properties. This amino acid position is conserved. In addition, this alteration is predicted to be tolerated by in silico analysis. Based on the available evidence, the clinical significance of this variant remains unclear.

NM_000321.3(RB1):c.916G>C (p.Val306Leu)

Gene: RB1 (RB transcriptional corepressor 1; plus strand). Cytogenetic location: 13q14.2.
Variant type: single nucleotide variant.
Coding change: c.916G>C on transcript NM_000321.3 (MANE Select); coding-DNA position 916, G replaced by C.
Protein change: p.Val306Leu; replaces valine 306 with leucine.
Molecular consequence: missense variant.
Genome position (GRCh38, 1-based): chr13:48,364,948, G>C. VCF-style: chr13-48364948-G-C. GRCh37 (hg19) VCF-style: chr13-48939084-G-C.
Other names: c.916G>C, p.Val306Leu (NM_001407165.1, NM_001407166.1); short protein forms V306L.
Identifiers: ClinVar variation 3943354 (VCV003943354.1).
Genomic context (GRCh38, chr13:48,364,948, plus strand): 5'-TTTCAGGTGAAAAATGTTTATTTCAAAAATTTTATACCTTTTATGAATTCTCTTGGACTT[G>C]TAACATCTAATGGACTTCCAGAGGTAATCTGAAAGGAAATTTAATAAAATATTAATGTTT-3'
Protein context (NP_000312.2, residues 296-316): FIPFMNSLGL[Val306Leu]TSNGLPEVEN